The following is an entry in ClinVar:

ClinVar aggregate classification (germline): Uncertain significance (1 of 4 stars; one submission).

Conditions:
Infantile spasms. Also called: Infantile spasm. Identifiers: MedGen C3887898, HP:0012469.

Allele frequency attached by ClinVar (database versions not stated): ExAC 0.00004; gnomAD exomes 0.00002 and 0.00005; 1000 Genomes Project 0.00020; gnomAD 0.00002 and 0.00001; 1000 Genomes Project 30x 0.00016; TOPMed 0.00004.

Submission:

Labcorp Genetics (formerly Invitae), Labcorp
Classification: Uncertain significance for Infantile spasms. Last evaluated: 2024-02-24. Review status: criteria provided, single submitter. Criteria: Invitae Variant Classification Sherloc (09022015). Collection method: clinical testing. Allele origin: germline.
Comment: This sequence change replaces isoleucine, which is neutral and non-polar, with valine, which is neutral and non-polar, at codon 679 of the PIK3AP1 protein (p.Ile679Val). This variant is present in population databases (rs200270009, gnomAD 0.07%), and has an allele count higher than expected for a pathogenic variant. This variant has not been reported in the literature in individuals affected with PIK3AP1-related conditions. ClinVar contains an entry for this variant (Variation ID: 851691). An algorithm developed to predict the effect of missense changes on protein structure and function (PolyPhen-2) suggests that this variant is likely to be disruptive. In summary, the available evidence is currently insufficient to determine the role of this variant in disease. Therefore, it has been classified as a Variant of Uncertain Significance.

NM_152309.3(PIK3AP1):c.2035A>G (p.Ile679Val)

Gene: PIK3AP1 (phosphoinositide-3-kinase adaptor protein 1; minus strand). Cytogenetic location: 10q24.1.
Variant type: single nucleotide variant.
Coding change: c.2035A>G on transcript NM_152309.3 (MANE Select); coding-DNA position 2035, A replaced by G.
Protein change: p.Ile679Val; replaces isoleucine 679 with valine.
Molecular consequence: missense variant.
Genome position (GRCh38, 1-based): chr10:96,609,847, T>C on the plus strand (A>G on the coding strand, the complement: PIK3AP1 is on the minus strand). VCF-style: chr10-96609847-T-C. GRCh37 (hg19) VCF-style: chr10-98369604-T-C.
Other names: short protein forms I679V.
Identifiers: ClinVar variation 851691 (VCV000851691.8), dbSNP rs200270009, ClinGen allele CA5626077.